The following is an entry in ClinVar:

NM_213599.3(ANO5):c.2347G>C (p.Val783Leu)

Gene: ANO5 (anoctamin 5; plus strand). Cytogenetic location: 11p14.3.
Variant type: single nucleotide variant.
Coding change: c.2347G>C on transcript NM_213599.3 (MANE Select); coding-DNA position 2347, G replaced by C.
Protein change: p.Val783Leu; replaces valine 783 with leucine.
Molecular consequence: missense variant.
Genome position (GRCh38, 1-based): chr11:22,274,680, G>C. VCF-style: chr11-22274680-G-C. GRCh37 (hg19) VCF-style: chr11-22296226-G-C.
Other names: c.2344G>C, p.Val782Leu (NM_001142649.2); c.2305G>C, p.Val769Leu (NM_001410963.1); c.2302G>C, p.Val768Leu (NM_001410964.1); short protein forms V769L, V768L, V782L, V783L.
Identifiers: ClinVar variation 2015527 (VCV002015527.4), dbSNP rs756648592, ClinGen allele CA379924310.

ClinVar aggregate classification (germline): Uncertain significance (1 of 4 stars; one submission).

Conditions:
Gnathodiaphyseal dysplasia (GDD). Also called: GNATHODIAPHYSEAL SCLEROSIS; OSTEOGENESIS IMPERFECTA WITH UNUSUAL SKELETAL LESIONS. Identifiers: Orphanet 53697, MedGen C1833736, MONDO:0008151, OMIM 166260.
Autosomal recessive limb-girdle muscular dystrophy type 2L (LGMDR12). Also called: MUSCULAR DYSTROPHY, LIMB-GIRDLE, AUTOSOMAL RECESSIVE 12; Limb-girdle muscular dystrophy, type 2L; Limb-Girdle Muscular Dystrophy R12 Anoctamin-5-Related (LGMD-R12). Identifiers: Orphanet 206549, MedGen C1969785, MONDO:0012652, OMIM 611307.

Submission:

Labcorp Genetics (formerly Invitae), Labcorp
Classification: Uncertain significance for Autosomal recessive limb-girdle muscular dystrophy type 2L; Gnathodiaphyseal dysplasia. Last evaluated: 2022-07-09. Review status: criteria provided, single submitter. Criteria: Invitae Variant Classification Sherloc (09022015). Collection method: clinical testing. Allele origin: germline.
Comment: This sequence change replaces valine, which is neutral and non-polar, with leucine, which is neutral and non-polar, at codon 783 of the ANO5 protein (p.Val783Leu). This variant is not present in population databases (gnomAD no frequency). This variant has not been reported in the literature in individuals affected with ANO5-related conditions. Advanced modeling of protein sequence and biophysical properties (such as structural, functional, and spatial information, amino acid conservation, physicochemical variation, residue mobility, and thermodynamic stability) performed at Invitae indicates that this missense variant is not expected to disrupt ANO5 protein function. In summary, the available evidence is currently insufficient to determine the role of this variant in disease. Therefore, it has been classified as a Variant of Uncertain Significance.